The following is an entry in ClinVar:

ClinVar aggregate classification (germline): Uncertain significance (1 of 4 stars; one submission).

Allele frequency attached by ClinVar (database versions not stated): gnomAD exomes 0.00001 and 0.00003; ExAC 0.00002; TOPMed 0.00002.
gnomAD v4.1: 39 of 1,614,058 alleles (0.0024%); highest among the groups gnomAD compares: East Asian, 0.0045%; no homozygotes.

Submission:

Labcorp Genetics (formerly Invitae), Labcorp
Classification: Uncertain significance. Last evaluated: 2019-10-05. Review status: criteria provided, single submitter. Criteria: Invitae Variant Classification Sherloc (09022015). Collection method: clinical testing. Allele origin: germline.
Comment: In summary, the available evidence is currently insufficient to determine the role of this variant in disease. Therefore, it has been classified as a Variant of Uncertain Significance. Algorithms developed to predict the effect of missense changes on protein structure and function output the following: SIFT: "Tolerated"; PolyPhen-2: "Benign"; Align-GVGD: "Class C0". The valine amino acid residue is found in multiple mammalian species, suggesting that this missense change does not adversely affect protein function. These predictions have not been confirmed by published functional studies and their clinical significance is uncertain. This variant has not been reported in the literature in individuals with TTLL5-related conditions. This variant is present in population databases (rs750728848, ExAC 0.009%). This sequence change replaces isoleucine with valine at codon 934 of the TTLL5 protein (p.Ile934Val). The isoleucine residue is weakly conserved and there is a small physicochemical difference between isoleucine and valine.

NM_015072.5(TTLL5):c.2800A>G (p.Ile934Val)

Gene: TTLL5 (tubulin tyrosine ligase like 5; plus strand). Cytogenetic location: 14q24.3.
Variant type: single nucleotide variant.
Coding change: c.2800A>G on transcript NM_015072.5 (MANE Select); coding-DNA position 2800, A replaced by G.
Protein change: p.Ile934Val; replaces isoleucine 934 with valine.
Molecular consequence: missense variant.
Genome position (GRCh38, 1-based): chr14:75,783,344, A>G. VCF-style: chr14-75783344-A-G. GRCh37 (hg19) VCF-style: chr14-76249687-A-G.
Other names: short protein forms I934V.
Identifiers: ClinVar variation 965880 (VCV000965880.9), dbSNP rs750728848, ClinGen allele CA7279814.